The following is an entry in ClinVar:

NM_024496.4(IRF2BPL):c.818C>A (p.Pro273Gln)

Gene: IRF2BPL (interferon regulatory factor 2 binding protein like; minus strand). Cytogenetic location: 14q24.3.
Variant type: single nucleotide variant.
Coding change: c.818C>A on transcript NM_024496.4 (MANE Select); coding-DNA position 818, C replaced by A.
Protein change: p.Pro273Gln; replaces proline 273 with glutamine.
Molecular consequence: missense variant.
Genome position (GRCh38, 1-based): chr14:77,026,975, G>T on the plus strand (C>A on the coding strand, the complement: IRF2BPL is on the minus strand). VCF-style: chr14-77026975-G-T. GRCh37 (hg19) VCF-style: chr14-77493318-G-T.
Other names: short protein forms P273Q.
Identifiers: ClinVar variation 4882970 (VCV004882970.2).
Genomic context (GRCh38, chr14:77,026,975, plus strand): 5'-GGAGCCCCTGGGGGAGCAGGCGTCGGGGGCCCACGGCTGCCCAGGGCGTGGGGAGGGGGT[G>T]GGGGGAGTACCGCAGCGCTGGCCGGGCCGTTAAGCAGCGTCTGCGGTAGCAGGTTGGGGG-3'
Protein context (NP_078772.1, residues 263-283): NGPASAAVLP[Pro273Gln]PPPHALGSRG

ClinVar aggregate classification (germline): Uncertain significance (1 of 4 stars; one submission).

Submission:

Dasa
Classification: Uncertain significance. Last evaluated: 2024-11-22. Review status: criteria provided, single submitter. Criteria: DASA Assertion Criteria. Collection method: clinical testing. Allele origin: germline.
Comment: NM_024496.4(IRF2BPL):c.818C>A (p.Pro273Gln) is a missense variant that results in the substitution of proline with glutamine. This variant is rare in population databases. Computational prediction algorithms are consistent with a benign effect. The currently available literature and clinical evidence are not sufficient to establish a definitive association between this variant and the reported condition. Therefore, this variant is classified as a variant of uncertain significance.